The following is an entry in ClinVar:

NM_001267550.2(TTN):c.86974T>G (p.Cys28992Gly)

Genes: TTN (titin; minus strand), TTN-AS1 (TTN antisense RNA 1; plus strand). Cytogenetic location: 2q31.2.
Variant type: single nucleotide variant.
Coding change: c.86974T>G on transcript NM_001267550.2 (MANE Select); coding-DNA position 86974, T replaced by G.
Protein change: p.Cys28992Gly; replaces cysteine 28992 with glycine.
Molecular consequence: missense variant.
Genome position (GRCh38, 1-based): chr2:178,558,485, A>C on the plus strand (T>G on the coding strand, the complement: TTN is on the minus strand). VCF-style: chr2-178558485-A-C. GRCh37 (hg19) VCF-style: chr2-179423212-A-C.
Other names: c.82051T>G, p.Cys27351Gly (NM_001256850.1); c.59779T>G, p.Cys19927Gly (NM_003319.4); c.79270T>G, p.Cys26424Gly (NM_133378.4); c.60154T>G, p.Cys20052Gly (NM_133432.3); c.60355T>G, p.Cys20119Gly (NM_133437.4); short protein forms C28992G, C20052G, C19927G, C20119G, C27351G, C26424G.
Identifiers: ClinVar variation 1029100 (VCV001029100.1), dbSNP rs769162510, ClinGen allele CA349540084.

ClinVar aggregate classification (germline): Uncertain significance (1 of 4 stars; one submission).

Conditions:
Early-onset myopathy with fatal cardiomyopathy (CMYO5). Also called: CONGENITAL MYOPATHY 5 WITH CARDIOMYOPATHY; Salih Myopathy. Identifiers: Orphanet 289377, MedGen C2673677, MONDO:0012714, OMIM 611705. Disease mechanism: loss of function.

gnomAD v4.1: 2 of 1,613,822 alleles (0.00012%); highest among the groups gnomAD compares: Admixed American, 0.0017%; no homozygotes.

Submission:

Baylor Genetics
Classification: Uncertain significance for Early-onset myopathy with fatal cardiomyopathy. Last evaluated: 2019-12-17. Review status: criteria provided, single submitter. Criteria: ACMG Guidelines, 2015. Collection method: clinical testing. Allele origin: unknown. Affected: yes.
Comment: This variant was determined to be of uncertain significance according to ACMG Guidelines, 2015 [PMID:25741868].